The following is an entry in ClinVar:

ClinVar aggregate classification (germline): Uncertain significance (1 of 4 stars; one submission).

Conditions:
Polycystic kidney disease, adult type (PKD1). Also called: Polycystic Kidney Disease 1, Autosomal Dominant; Polycystic kidney disease 1; Polycystic kidney disease 1, severe; Polycystic Kidney, Autosomal Dominant; POLYCYSTIC KIDNEY DISEASE, ADULT, TYPE I; POLYCYSTIC KIDNEY DISEASE 1 WITH OR WITHOUT POLYCYSTIC LIVER DISEASE. Identifiers: MedGen C3149841, MONDO:0008263, OMIM 173900.

gnomAD v4.1: 11 of 1,610,196 alleles (0.00068%); highest among the groups gnomAD compares: East Asian, 0.0089%; no homozygotes.

Submission:

Victorian Clinical Genetics Services, Murdoch Childrens Research Institute
Classification: Uncertain significance for Polycystic kidney disease, adult type. Last evaluated: 2025-12-04. Review status: criteria provided, single submitter. Criteria: ACMG Guidelines, 2015. Collection method: clinical testing. Allele origin: germline. Affected: yes.
Comment: This variant is classified as VUS-3B. Evidence in support of pathogenic classification: Variant is present in gnomAD <0.001 for a dominant condition (v4: 11 heterozygote(s), 0 homozygote(s)). An alternate nucleotide change resulting in the same amino acid change is also present in gnomAD (v4: 6 heterozygote(s), 0 homozygote(s)). Additional information: Variant is predicted to result in a missense amino acid change from Phe to Leu; This variant is heterozygous; This gene is associated with autosomal dominant disease. Polycystic kidney disease 1 (MIM#173900) is predominantly caused by monoallelic variants, with rare reports of biallelic variants causing disease (OMIM); Previous evidence of pathogenicity for this variant is inconclusive. This variant has been reported in a compound heterozygous child with febrile seizures, without enlarged kidneys or cysts, and was inherited from their asymptomatic father (PMID: 35620448); No published functional evidence has been identified for this variant; No comparable missense variants have previous evidence for pathogenicity; Variant is located in the annotated REJ domain (DECIPHER); Missense variant with inconclusive in silico prediction and/or uninformative conservation; Loss of function is a known mechanism of disease in this gene and is associated with polycystic kidney disease 1 (MIM#173900); Inheritance information for this variant is not currently available in this individual.

Literature cited by the submitters: PubMed 35620448.

NM_001009944.3(PKD1):c.6706T>C (p.Phe2236Leu)

Gene: PKD1 (polycystin 1, transient receptor potential channel interacting; minus strand). Cytogenetic location: 16p13.3.
Variant type: single nucleotide variant.
Coding change: c.6706T>C on transcript NM_001009944.3 (MANE Select); coding-DNA position 6706, T replaced by C.
Protein change: p.Phe2236Leu; replaces phenylalanine 2236 with leucine.
Molecular consequence: missense variant.
Genome position (GRCh38, 1-based): chr16:2,108,461, A>G on the plus strand (T>C on the coding strand, the complement: PKD1 is on the minus strand). VCF-style: chr16-2108461-A-G. GRCh37 (hg19) VCF-style: chr16-2158462-A-G.
Other names: c.6706T>C, p.Phe2236Leu (NM_000296.4); short protein forms F2236L.
Identifiers: ClinVar variation 4818940 (VCV004818940.1).
Genomic context (GRCh38, chr16:2,108,461, plus strand): 5'-GGCGCTCGGGGGCCACCGTCACATTGGCCTGGATGCTCTGTGTCAGTGGCGTGTCCCCAA[A>G]TGACACGACAAACACAAAGCAGTAGTGCCCCACAGGCAGCGCCAGCCGCGGCAGCACCAG-3'
Protein context (NP_001009944.3, residues 2226-2246): GHYCFVFVVS[Phe2236Leu]GDTPLTQSIQ